The following is an entry in ClinVar:

ClinVar aggregate classification (germline): Likely benign (1 of 4 stars; one submission).

gnomAD v4.1: 94 of 690,022 alleles (0.014%); highest among the groups gnomAD compares: Middle Eastern, 0.047%; no homozygotes.

Submission:

CeGaT Center for Human Genetics Tuebingen
Classification: Likely benign. Last evaluated: 2026-04-01. Review status: criteria provided, single submitter. Criteria: CeGaT Center For Human Genetics Tuebingen Variant Classification Criteria Version 2. Collection method: clinical testing. Allele origin: germline. Affected: yes. Observed: 1 variant allele.
Comment: SHANK2: BP4, BP7

NM_012309.5(SHANK2):c.1449C>T (p.Gly483=)

Gene: SHANK2 (SH3 and multiple ankyrin repeat domains 2; minus strand). Cytogenetic location: 11q13.4.
Variant type: single nucleotide variant.
Coding change: c.1449C>T on transcript NM_012309.5 (MANE Select); coding-DNA position 1449, C replaced by T.
Protein change: p.Gly483=; no amino-acid change (glycine 483 retained).
Molecular consequence: synonymous variant.
Genome position (GRCh38, 1-based): chr11:70,820,408, G>A on the plus strand (C>T on the coding strand, the complement: SHANK2 is on the minus strand). VCF-style: chr11-70820408-G-A. GRCh37 (hg19) VCF-style: chr11-70666513-G-A.
Other names: c.312C>T, p.Gly104= (NM_001379226.1, NM_001441040.1, NM_001441041.1); c.1620C>T, p.Gly540= (NM_001441024.1); c.1449C>T, p.Gly483= (NM_001441025.1, NM_001441026.1, NM_001441027.1 and 11 more transcripts); c.1377C>T, p.Gly459= (NM_001441038.1).
Identifiers: ClinVar variation 4872246 (VCV004872246.2).